The following is an entry in ClinVar:

NM_000038.6(APC):c.116C>A (p.Thr39Asn)

Gene: APC (APC regulator of Wnt signaling pathway; plus strand). Cytogenetic location: 5q22.2.
Variant type: single nucleotide variant.
Coding change: c.116C>A on transcript NM_000038.6 (MANE Select); coding-DNA position 116, C replaced by A.
Protein change: p.Thr39Asn; replaces threonine 39 with asparagine.
Molecular consequence: missense variant. On other transcripts: 5 prime UTR variant (1), intron variant (8).
Genome position (GRCh38, 1-based): chr5:112,755,006, C>A. VCF-style: chr5-112755006-C-A. GRCh37 (hg19) VCF-style: chr5-112090703-C-A.
Other names: c.116C>A, p.Thr39Asn (NM_001127510.3, NM_001354895.2, NM_001354896.2 and 2 more transcripts); c.-920C>A (NM_001354906.2); c.166-11320C>A (NM_001354897.2, NM_001354902.2, NM_001127511.3); c.61-11320C>A (NM_001354898.2, NM_001354904.2); c.-42-11320C>A (NM_001354900.2, NM_001354901.2, NM_001354905.2); short protein forms T39N.
Identifiers: ClinVar variation 1507993 (VCV001507993.8), dbSNP rs1561445008, ClinGen allele CA16021595.

ClinVar aggregate classification (germline): Uncertain significance (1 of 4 stars; one submission).

Conditions:
Familial adenomatous polyposis 1 (FAP1). Also called: FAMILIAL ADENOMATOUS POLYPOSIS 1, ATTENUATED; POLYPOSIS, ADENOMATOUS INTESTINAL. Identifiers: MedGen C2713442, MONDO:0021056, OMIM 175100. Disease mechanism: loss of function.

Submission:

Labcorp Genetics (formerly Invitae), Labcorp
Classification: Uncertain significance for Familial adenomatous polyposis 1. Last evaluated: 2021-05-26. Review status: criteria provided, single submitter. Criteria: Invitae Variant Classification Sherloc (09022015). Collection method: clinical testing. Allele origin: germline.
Comment: Algorithms developed to predict the effect of missense changes on protein structure and function are either unavailable or do not agree on the potential impact of this missense change (SIFT: "Deleterious"; PolyPhen-2: "Benign"; Align-GVGD: "Class C0"). In summary, the available evidence is currently insufficient to determine the role of this variant in disease. Therefore, it has been classified as a Variant of Uncertain Significance. This variant has not been reported in the literature in individuals with APC-related conditions. This variant is not present in population databases (ExAC no frequency). This sequence change replaces threonine with asparagine at codon 39 of the APC protein (p.Thr39Asn). The threonine residue is highly conserved and there is a small physicochemical difference between threonine and asparagine.